The following is an entry in ClinVar:

ClinVar aggregate classification (germline): Uncertain significance. Review status: criteria provided, multiple submitters, no conflicts (2 of 4 stars). 2 submissions from 2 submitters: Uncertain significance (2). Last evaluated 2025-07-22.

Conditions:
Familial cancer of breast. Also called: BREAST CANCER, FAMILIAL; hereditary breast carcinoma; Hereditary breast cancer. Identifiers: Orphanet 227535, MedGen C0346153, MONDO:0016419, OMIM 114480. Disease mechanism: loss of function.
Hereditary cancer-predisposing syndrome. Also called: Neoplastic Syndromes, Hereditary; Hereditary Cancer Syndrome; Hereditary neoplastic syndrome; Tumor predisposition. Identifiers: Orphanet 140162, MedGen C0027672, MeSH D009386, MONDO:0015356.

Submissions (2):

Labcorp Genetics (formerly Invitae), Labcorp
Classification: Uncertain significance for Familial cancer of breast. Last evaluated: 2025-07-22. Review status: criteria provided, single submitter. Criteria: Invitae Variant Classification Sherloc (09022015). Collection method: clinical testing. Allele origin: germline.
Comment: This sequence change replaces arginine, which is basic and polar, with proline, which is neutral and non-polar, at codon 52 of the BARD1 protein (p.Arg52Pro). This variant is not present in population databases (gnomAD no frequency). This variant has not been reported in the literature in individuals affected with BARD1-related conditions. ClinVar contains an entry for this variant (Variation ID: 479166). An algorithm developed to predict the effect of missense changes on protein structure and function (PolyPhen-2) suggests that this variant is likely to be disruptive. In summary, the available evidence is currently insufficient to determine the role of this variant in disease. Therefore, it has been classified as a Variant of Uncertain Significance.

Ambry Genetics
Classification: Uncertain significance for Hereditary cancer-predisposing syndrome. Last evaluated: 2016-10-26. Review status: criteria provided, single submitter. Criteria: Ambry Variant Classification Scheme 2023. Collection method: clinical testing. Allele origin: germline.
Comment: The p.R52P variant (also known as c.155G>C), located in coding exon 1 of the BARD1 gene, results from a G to C substitution at nucleotide position 155. The arginine at codon 52 is replaced by proline, an amino acid with dissimilar properties. This variant was not reported in population based cohorts in the following databases: Database of Single Nucleotide Polymorphisms (dbSNP), NHLBI Exome Sequencing Project (ESP), and 1000 Genomes Project. In the ESP, this variant was not observed in 6068 samples (12136 alleles) with coverage at this position. To date, this alteration has been detected with an allele frequency of approximately 0.001% (greater than 175000 alleles tested) in our clinical cohort. This amino acid position is well conserved in available vertebrate species. In addition, the in silico prediction for this alteration is inconclusive. Since supporting evidence is limited at this time, the clinical significance of this alteration remains unclear.

NM_000465.4(BARD1):c.155G>C (p.Arg52Pro)

Gene: BARD1 (BRCA1 associated RING domain 1; minus strand). Cytogenetic location: 2q35.
Variant type: single nucleotide variant.
Coding change: c.155G>C on transcript NM_000465.4 (MANE Select); coding-DNA position 155, G replaced by C.
Protein change: p.Arg52Pro; replaces arginine 52 with proline.
Molecular consequence: missense variant. On other transcripts: non-coding transcript variant (3).
Genome position (GRCh38, 1-based): chr2:214,809,415, C>G on the plus strand (G>C on the coding strand, the complement: BARD1 is on the minus strand). VCF-style: chr2-214809415-C-G. GRCh37 (hg19) VCF-style: chr2-215674139-C-G.
Other names: c.155G>C, p.Arg52Pro (NM_001282543.2, NM_001282545.2, NM_001282548.2 and 1 more transcripts); short protein forms R52P.
Identifiers: ClinVar variation 479166 (VCV000479166.7), dbSNP rs574257684, ClinGen allele CA350464711.